The following is an entry in ClinVar:

NM_004722.4(AP4M1):c.930-77A>G

Gene: AP4M1 (adaptor related protein complex 4 subunit mu 1; plus strand). Cytogenetic location: 7q22.1.
Variant type: single nucleotide variant.
Coding change: c.930-77A>G on transcript NM_004722.4 (MANE Select); 77 bases into the intron before coding-DNA position 930, A replaced by G.
Molecular consequence: intron variant.
Genome position (GRCh38, 1-based): chr7:100,105,882, A>G. VCF-style: chr7-100105882-A-G. GRCh37 (hg19) VCF-style: chr7-99703505-A-G.
Other names: c.951-77A>G (NM_001363671.2).
Identifiers: ClinVar variation 678154 (VCV000678154.2), dbSNP rs62485013, ClinGen allele CA16309300.

ClinVar aggregate classification (germline): Benign. Review status: criteria provided, multiple submitters, no conflicts (2 of 4 stars). 2 submissions from 2 submitters: Benign (2). Last evaluated 2018-06-14.

Allele frequency attached by ClinVar (database versions not stated): ESP Exome Variant Server 0.09746; 1000 Genomes Project 30x 0.10103; 1000 Genomes Project 0.10204; TOPMed 0.10373; gnomAD 0.10656 and 0.10882.
gnomAD v4.1: 211,153 of 1,525,422 alleles (14%); highest among the groups gnomAD compares: Admixed American, 18%; 15,712 homozygotes.

Submissions (2):

GeneDx
Classification: Benign. Last evaluated: 2018-06-14. Review status: criteria provided, single submitter. Criteria: GeneDx Variant Classification (06012015). Collection method: clinical testing. Allele origin: germline. Affected: yes.
Comment: This variant is considered likely benign or benign based on one or more of the following criteria: it is a conservative change, it occurs at a poorly conserved position in the protein, it is predicted to be benign by multiple in silico algorithms, and/or has population frequency not consistent with disease.

Breakthrough Genomics
Classification: Benign. Review status: criteria provided, single submitter. Criteria: ACMG Guidelines, 2015. Collection method: not provided. Allele origin: germline. Inheritance: Autosomal recessive inheritance. Affected: yes.